The following is an entry in ClinVar:

ClinVar aggregate classification (germline): Uncertain significance (1 of 4 stars; one submission).

Submission:

Labcorp Genetics (formerly Invitae), Labcorp
Classification: Uncertain significance. Last evaluated: 2022-08-02. Review status: criteria provided, single submitter. Criteria: Invitae Variant Classification Sherloc (09022015). Collection method: clinical testing. Allele origin: germline.
Comment: ClinVar contains an entry for this variant (Variation ID: 1497546). This variant, c.905_913del, results in the deletion of 3 amino acid(s) of the KANK2 protein (p.Glu302_Gln304del), but otherwise preserves the integrity of the reading frame. This variant is present in population databases (rs753261699, gnomAD 0.004%). This variant has not been reported in the literature in individuals affected with KANK2-related conditions. In summary, the available evidence is currently insufficient to determine the role of this variant in disease. Therefore, it has been classified as a Variant of Uncertain Significance.

NM_001136191.3(KANK2):c.905_913del (p.Glu302_Gln304del)

Gene: KANK2 (KN motif and ankyrin repeat domains 2; minus strand). Cytogenetic location: 19p13.2.
Variant type: Deletion.
Coding change: c.905_913del on transcript NM_001136191.3 (MANE Select); coding-DNA positions 905 to 913, 9 bases deleted (AGCTGCAGG; older notation c.905_913delAGCTGCAGG).
Protein change: p.Glu302_Gln304del.
Molecular consequence: inframe deletion.
Genome position (GRCh38, 1-based): chr19:11,193,167-11,193,175, CCTGCAGCT deleted on the plus strand (AGCTGCAGG on the coding strand, the reverse complement: KANK2 is on the minus strand); deleting any 9 consecutive bases within chr19:11,193,167-11,193,183 gives the same sequence; the c. name uses the placement nearest the transcript's 3' end. VCF-style (leftmost placement, unchanged base first): chr19-11193166-GCCTGCAGCT-G. GRCh37 (hg19) VCF-style: chr19-11303842-GCCTGCAGCT-G.
Other names: c.905_913del, p.Glu302_Gln304del (NM_001329451.2, NM_001379548.1, NM_001379549.1 and 15 more transcripts).
Identifiers: ClinVar variation 1497546 (VCV001497546.8), dbSNP rs753261699, ClinGen allele CA9205948.
Genomic context (GRCh38, chr19:11,193,166, plus strand): 5'-ACCGGGCTGTCCGGCGGTGGCCAGGCCTGGGGCTGGGGGTCAGCCTGCCGGGCCTGAGCT[GCCTGCAGCT>G]CCTGCAGCGCCTTCTTGAGCTGGGTCTCCAGCACAGCGACCTTGGCGGCGAGGGCAGCCT-3'